The following is an entry in ClinVar:

NM_001035.3(RYR2):c.13970A>T (p.Tyr4657Phe)

Gene: RYR2 (ryanodine receptor 2; plus strand). Cytogenetic location: 1q43.
Variant type: single nucleotide variant.
Coding change: c.13970A>T on transcript NM_001035.3 (MANE Select); coding-DNA position 13970, A replaced by T.
Protein change: p.Tyr4657Phe; replaces tyrosine 4657 with phenylalanine.
Molecular consequence: missense variant.
Genome position (GRCh38, 1-based): chr1:237,798,050, A>T. VCF-style: chr1-237798050-A-T. GRCh37 (hg19) VCF-style: chr1-237961350-A-T.
Other names: short protein forms Y4657F.
Identifiers: ClinVar variation 3631966 (VCV003631966.3).

ClinVar aggregate classification (germline): Uncertain significance. Review status: criteria provided, multiple submitters, no conflicts (2 of 4 stars). 2 submissions from 2 submitters: Uncertain significance (2). Last evaluated 2024-11-04.

Conditions:
Cardiomyopathy (CMYO). Also called: Cardiomyopathies. Identifiers: Orphanet 167848, MedGen C0878544, MONDO:0004994, HP:0001638. Inheritance: Various modes of inheritance.
Catecholaminergic polymorphic ventricular tachycardia 1. Also called: VENTRICULAR TACHYCARDIA, CATECHOLAMINERGIC POLYMORPHIC, 1, WITH OR WITHOUT ATRIAL DYSFUNCTION AND/OR DILATED CARDIOMYOPATHY; RYR2-Related Catecholaminergic Polymorphic Ventricular Tachycardia; VENTRICULAR TACHYCARDIA, STRESS-INDUCED POLYMORPHIC 1. Identifiers: Orphanet 3286, MedGen C1631597, MONDO:0011484, OMIM 604772.

gnomAD v4.1: 2 of 1,610,900 alleles (0.00012%); highest among the groups gnomAD compares: Non-Finnish European, 0.00017%; no homozygotes.

Submissions (2):

Labcorp Genetics (formerly Invitae), Labcorp
Classification: Uncertain significance for Catecholaminergic polymorphic ventricular tachycardia 1. Last evaluated: 2024-11-04. Review status: criteria provided, single submitter. Criteria: Invitae Variant Classification Sherloc (09022015). Collection method: clinical testing. Allele origin: germline.
Comment: This sequence change replaces tyrosine, which is neutral and polar, with phenylalanine, which is neutral and non-polar, at codon 4657 of the RYR2 protein (p.Tyr4657Phe). This variant is not present in population databases (gnomAD no frequency). This variant has not been reported in the literature in individuals affected with RYR2-related conditions. Invitae Evidence Modeling of protein sequence and biophysical properties (such as structural, functional, and spatial information, amino acid conservation, physicochemical variation, residue mobility, and thermodynamic stability) has been performed for this missense variant. However, the output from this modeling did not meet the statistical confidence thresholds required to predict the impact of this variant on RYR2 protein function. In summary, the available evidence is currently insufficient to determine the role of this variant in disease. Therefore, it has been classified as a Variant of Uncertain Significance.

Color Diagnostics, LLC DBA Color Health
Classification: Uncertain significance for Cardiomyopathy. Last evaluated: 2023-09-27. Review status: criteria provided, single submitter. Criteria: ACMG Guidelines, 2015. Collection method: clinical testing. Allele origin: germline.
Comment: This missense variant replaces tyrosine with phenylalanine at codon 4657 of the RYR2 protein. Computational prediction is inconclusive regarding the impact of this variant on protein structure and function. To our knowledge, functional studies have not been reported for this variant. This variant has not been reported in individuals affected with RYR2-related disorders in the literature. This variant has not been identified in the general population by the Genome Aggregation Database (gnomAD). The available evidence is insufficient to determine the role of this variant in disease conclusively. Therefore, this variant is classified as a Variant of Uncertain Significance.